The following is an entry in ClinVar:

ClinVar aggregate classification (germline): Likely pathogenic. Review status: criteria provided, multiple submitters, no conflicts (2 of 4 stars). 2 submissions from 2 submitters: Likely pathogenic (2). Last evaluated 2024-01-24.

Conditions:
Familial thoracic aortic aneurysm and aortic dissection (TAAD). Also called: Thoracic aortic aneurysms and dissections. Identifiers: Orphanet 91387, MedGen C4707243, MONDO:0019625.
Marfan syndrome (MFS). Also called: Marfan syndrome type 1; Marfan syndrome, classic; Marfan's syndrome; FBN1-Related Marfan Syndrome; MARFAN SYNDROME, TYPE I. Identifiers: Orphanet 284963, Orphanet 558, MedGen C0024796, MONDO:0007947, OMIM 154700.

Submissions (2):

Labcorp Genetics (formerly Invitae), Labcorp
Classification: Likely pathogenic for Marfan syndrome; Familial thoracic aortic aneurysm and aortic dissection. Last evaluated: 2024-01-24. Review status: criteria provided, single submitter. Criteria: Invitae Variant Classification Sherloc (09022015). Collection method: clinical testing. Allele origin: germline.
Comment: This sequence change replaces asparagine, which is neutral and polar, with threonine, which is neutral and polar, at codon 1173 of the FBN1 protein (p.Asn1173Thr). This variant is not present in population databases (gnomAD no frequency). This variant has not been reported in the literature in individuals affected with FBN1-related conditions. ClinVar contains an entry for this variant (Variation ID: 547310). Advanced modeling of protein sequence and biophysical properties (such as structural, functional, and spatial information, amino acid conservation, physicochemical variation, residue mobility, and thermodynamic stability) performed at Invitae indicates that this missense variant is expected to disrupt FBN1 protein function with a positive predictive value of 95%. This variant disrupts the p.Asn1173 amino acid residue in FBN1. Other variant(s) that disrupt this residue have been determined to be pathogenic (Invitae). This suggests that this residue is clinically significant, and that variants that disrupt this residue are likely to be disease-causing. In summary, the currently available evidence indicates that the variant is pathogenic, but additional data are needed to prove that conclusively. Therefore, this variant has been classified as Likely Pathogenic.

Center for Human Genetics, Inc
Classification: Likely pathogenic for Marfan syndrome. Last evaluated: 2016-11-01. Review status: criteria provided, single submitter. Criteria: ACMG Guidelines, 2015. Collection method: clinical testing. Allele origin: germline. Affected: yes.

NM_000138.5(FBN1):c.3518A>C (p.Asn1173Thr)

Gene: FBN1 (fibrillin 1; minus strand). Cytogenetic location: 15q21.1.
Variant type: single nucleotide variant.
Coding change: c.3518A>C on transcript NM_000138.5 (MANE Select); coding-DNA position 3518, A replaced by C.
Protein change: p.Asn1173Thr; replaces asparagine 1173 with threonine.
Molecular consequence: missense variant.
Genome position (GRCh38, 1-based): chr15:48,487,146, T>G on the plus strand (A>C on the coding strand, the complement: FBN1 is on the minus strand). VCF-style: chr15-48487146-T-G. GRCh37 (hg19) VCF-style: chr15-48779343-T-G.
Other names: short protein forms N1173T.
Identifiers: ClinVar variation 547310 (VCV000547310.4), dbSNP rs1555398520, ClinGen allele CA392325161.
Genomic context (GRCh38, chr15:48,487,146, plus strand): 5'-AGCCTATCGGGAGTTGAATGGTAGCCAGGGTTGCAGGCACACTGATACTTCCCTATGAGG[T>G]TCACGCAACGGCCATTGGGGCACAGGTGTGCACTCAGCTCACATTCATTGATGTCTGTCG-3'
Protein context (NP_000129.3, residues 1163-1183): AHLCPNGRCV[Asn1173Thr]LIGKYQCACN